The following is an entry in ClinVar:

ClinVar aggregate classification (germline): Uncertain significance (1 of 4 stars; one submission).

Conditions:
Hereditary cancer-predisposing syndrome. Also called: Hereditary Cancer Syndrome; Hereditary neoplastic syndrome; Tumor predisposition; Neoplastic Syndromes, Hereditary. Identifiers: Orphanet 140162, MedGen C0027672, MeSH D009386, MONDO:0015356.

Submission:

Ambry Genetics
Classification: Uncertain significance for Hereditary cancer-predisposing syndrome. Last evaluated: 2020-10-01. Review status: criteria provided, single submitter. Criteria: Ambry Variant Classification Scheme 2023. Collection method: clinical testing. Allele origin: germline.
Comment: The p.P768R variant (also known as c.2303C>G), located in coding exon 20 of the TSC2 gene, results from a C to G substitution at nucleotide position 2303. The proline at codon 768 is replaced by arginine, an amino acid with dissimilar properties. This amino acid position is highly conserved in available vertebrate species. In addition, this alteration is predicted to be deleterious by in silico analysis. Since supporting evidence is limited at this time, the clinical significance of this alteration remains unclear.

NM_000548.5(TSC2):c.2303C>G (p.Pro768Arg)

Gene: TSC2 (TSC complex subunit 2; plus strand). Cytogenetic location: 16p13.3.
Variant type: single nucleotide variant.
Coding change: c.2303C>G on transcript NM_000548.5 (MANE Select); coding-DNA position 2303, C replaced by G.
Protein change: p.Pro768Arg; replaces proline 768 with arginine.
Molecular consequence: missense variant.
Genome position (GRCh38, 1-based): chr16:2,072,931, C>G. VCF-style: chr16-2072931-C-G. GRCh37 (hg19) VCF-style: chr16-2122932-C-G.
Other names: c.2303C>G, p.Pro768Arg (NM_001077183.3, NM_001114382.3, NM_001363528.2 and 6 more transcripts); c.2192C>G, p.Pro731Arg (NM_001318827.2, NM_001406670.1, NM_001406678.1); c.2156C>G, p.Pro719Arg (NM_001318829.2, NM_001406675.1, NM_001406676.1 and 1 more transcripts); c.1703C>G, p.Pro568Arg (NM_001318831.2, NM_001406680.1, NM_001406682.1 and 6 more transcripts); c.2336C>G, p.Pro779Arg (NM_001318832.2); c.2393C>G, p.Pro798Arg (NM_001406667.1, NM_001406668.1); c.2291C>G, p.Pro764Arg (NM_001406671.1, NM_001406673.1); c.2246C>G, p.Pro749Arg (NM_001406677.1); and 3 more; short protein forms P320R, P614R, P749R, P779R, P798R, P719R, P731R, P234R.
Identifiers: ClinVar variation 1789321 (VCV001789321.2), dbSNP rs1555506977, ClinGen allele CA394276613.